The following is an entry in ClinVar:

ClinVar aggregate classification (germline): Uncertain significance (1 of 4 stars; one submission).

Conditions:
Inborn genetic diseases. Identifiers: MedGen C0950123, MeSH D030342.

Submission:

Ambry Genetics
Classification: Uncertain significance for Inborn genetic diseases. Last evaluated: 2025-05-31. Review status: criteria provided, single submitter. Criteria: Ambry Variant Classification Scheme 2023. Collection method: clinical testing. Allele origin: germline.
Comment: The p.S1808F variant (also known as c.5423C>T), located in coding exon 21 of the FANCM gene, results from a C to T substitution at nucleotide position 5423. The serine at codon 1808 is replaced by phenylalanine, an amino acid with highly dissimilar properties. This amino acid position is conserved. In addition, this alteration is predicted to be tolerated by in silico analysis. Based on the available evidence, the clinical significance of this variant remains unclear.

NM_020937.4(FANCM):c.5423C>T (p.Ser1808Phe)

Gene: FANCM (FA complementation group M; plus strand). Cytogenetic location: 14q21.2.
Variant type: single nucleotide variant.
Coding change: c.5423C>T on transcript NM_020937.4 (MANE Select); coding-DNA position 5423, C replaced by T.
Protein change: p.Ser1808Phe; replaces serine 1808 with phenylalanine.
Molecular consequence: missense variant.
Genome position (GRCh38, 1-based): chr14:45,196,254, C>T. VCF-style: chr14-45196254-C-T. GRCh37 (hg19) VCF-style: chr14-45665457-C-T.
Other names: c.5345C>T, p.Ser1782Phe (NM_001308133.2); short protein forms S1782F, S1808F.
Identifiers: ClinVar variation 4022829 (VCV004022829.1).